The following is an entry in ClinVar:

ClinVar aggregate classification (germline): Conflicting classifications of pathogenicity. Review status: criteria provided, conflicting classifications (1 of 4 stars). 6 submissions from 6 submitters: Uncertain significance (5); Likely benign (1). Last evaluated 2026-04-14.

Conditions:
TTN-related disorder. Also called: TTN-related disorders; TTN-related condition; TTN-related disease.
Dilated cardiomyopathy 1G (CMD1G). Identifiers: Orphanet 154, MedGen C1858763, MONDO:0011400, OMIM 604145.
Autosomal recessive limb-girdle muscular dystrophy type 2J (LGMDR10). Also called: Limb-girdle muscular dystrophy, type 2J; MUSCULAR DYSTROPHY, LIMB-GIRDLE, AUTOSOMAL RECESSIVE 10. Identifiers: Orphanet 140922, MedGen C1837342, MONDO:0012127, OMIM 608807.

Allele frequency attached by ClinVar (database versions not stated): gnomAD 0.00002; TOPMed 0.00002; gnomAD exomes 0.00004 and 0.00006; ExAC 0.00005.
gnomAD v4.1: 66 of 1,612,646 alleles (0.0041%); highest among the groups gnomAD compares: South Asian, 0.045%; no homozygotes.

Submissions (6):

PreventionGenetics, part of Exact Sciences
Classification: Uncertain significance for TTN-related condition. Last evaluated: 2026-04-14. Review status: criteria provided, single submitter. Criteria: ACMG Guidelines, 2015. Collection method: clinical testing. Allele origin: germline.
Comment: The TTN c.39469G>A variant is predicted to result in the amino acid substitution p.Glu13157Lys. To our knowledge, this variant has not been reported in the literature. This variant is reported in 0.030% of alleles in individuals of South Asian descent in gnomAD. At this time, the clinical significance of this variant is uncertain due to the absence of conclusive functional and genetic evidence.

Mayo Clinic Laboratories, Mayo Clinic
Classification: Uncertain significance. Last evaluated: 2025-12-12. Review status: criteria provided, single submitter. Criteria: ACMG Guidelines, 2015. Collection method: clinical testing. Allele origin: germline. Observed: 1 variant allele.
Comment: BP4_moderate

Revvity Omics, Revvity
Classification: Uncertain significance. Last evaluated: 2023-06-12. Review status: criteria provided, single submitter. Criteria: ACMG Guidelines, 2015. Collection method: clinical testing. Allele origin: germline.

CeGaT Center for Human Genetics Tuebingen
Classification: Uncertain significance. Last evaluated: 2022-08-01. Review status: criteria provided, single submitter. Criteria: CeGaT Center For Human Genetics Tuebingen Variant Classification Criteria Version 2. Collection method: clinical testing. Allele origin: germline. Affected: yes. Observed: 2 variant alleles.
Comment: TTN: PM2, BP4

GeneDx
Classification: Likely benign. Last evaluated: 2018-06-19. Review status: criteria provided, single submitter. Criteria: GeneDx Variant Classification (06012015). Collection method: clinical testing. Allele origin: germline. Affected: yes.
Comment: This variant is considered likely benign or benign based on one or more of the following criteria: it is a conservative change, it occurs at a poorly conserved position in the protein, it is predicted to be benign by multiple in silico algorithms, and/or has population frequency not consistent with disease.

Labcorp Genetics (formerly Invitae), Labcorp
Classification: Uncertain significance for Dilated cardiomyopathy 1G; Autosomal recessive limb-girdle muscular dystrophy type 2J. Last evaluated: 2016-02-01. Review status: criteria provided, single submitter. Criteria: Invitae Variant Classification Sherloc (09022015). Collection method: clinical testing. Allele origin: germline.

NM_001267550.2(TTN):c.39469G>A (p.Glu13157Lys)

Gene: TTN (titin; minus strand). Cytogenetic location: 2q31.2.
Variant type: single nucleotide variant.
Coding change: c.39469G>A on transcript NM_001267550.2 (MANE Select); coding-DNA position 39469, G replaced by A.
Protein change: p.Glu13157Lys; replaces glutamic acid 13157 with lysine.
Molecular consequence: missense variant. On other transcripts: intron variant (3).
Genome position (GRCh38, 1-based): chr2:178,651,531, C>T on the plus strand (G>A on the coding strand, the complement: TTN is on the minus strand). VCF-style: chr2-178651531-C-T. GRCh37 (hg19) VCF-style: chr2-179516258-C-T.
Other names: p.Glu10723Lys; c.34948G>A, p.Glu11650Lys (NM_001256850.1); c.32167G>A, p.Glu10723Lys (NM_133378.4); c.13283-9214G>A (NM_003319.4); c.13859-9214G>A (NM_133437.4); c.13658-9214G>A (NM_133432.3); short protein forms E13157K, E10723K, E11650K.
Identifiers: ClinVar variation 238769 (VCV000238769.31), dbSNP rs761974767, ClinGen allele CA1996692.
Genomic context (GRCh38, chr2:178,651,531, plus strand): 5'-CTGGCTTTTTGGGAACCACCAGAGGCACCTTCTTTTCAGGAACAACCTCCTTGGGCACCT[C>T]GGGCACTATAAAAGATATTAGTAGTTGTTTAAGCTCATGGTTTCAATGAAATGTGAAAAT-3'
Protein context (NP_001254479.2, residues 13147-13167): KPELPPVKVP[Glu13157Lys]VPKEVVPEKK